The following is an entry in ClinVar:

NM_002473.6(MYH9):c.1587C>T (p.Asp529=)

Gene: MYH9 (myosin heavy chain 9; minus strand). Cytogenetic location: 22q12.3.
Variant type: single nucleotide variant.
Coding change: c.1587C>T on transcript NM_002473.6 (MANE Select); coding-DNA position 1587, C replaced by T.
Protein change: p.Asp529=; no amino-acid change (aspartic acid 529 retained).
Molecular consequence: synonymous variant.
Genome position (GRCh38, 1-based): chr22:36,312,190, G>A on the plus strand (C>T on the coding strand, the complement: MYH9 is on the minus strand). VCF-style: chr22-36312190-G-A. GRCh37 (hg19) VCF-style: chr22-36708235-G-A.
Identifiers: ClinVar variation 227601 (VCV000227601.8), dbSNP rs753996104, ClinGen allele CA10210242.

ClinVar aggregate classification (germline): Likely benign. Review status: criteria provided, multiple submitters, no conflicts (2 of 4 stars). 2 submissions from 2 submitters: Likely benign (2). Last evaluated 2023-04-24.

Allele frequency attached by ClinVar (database versions not stated): TOPMed below 0.00001; gnomAD 0.00001; gnomAD exomes 0.00001 and 0.00002; ExAC 0.00002.
gnomAD v4.1: 20 of 1,614,006 alleles (0.0012%); highest among the groups gnomAD compares: East Asian, 0.0022%; no homozygotes.

Submissions (2):

Labcorp Genetics (formerly Invitae), Labcorp
Classification: Likely benign. Last evaluated: 2023-04-24. Review status: criteria provided, single submitter. Criteria: Invitae Variant Classification Sherloc (09022015). Collection method: clinical testing. Allele origin: germline.

Laboratory for Molecular Medicine, Mass General Brigham Personalized Medicine
Classification: Likely benign. Last evaluated: 2015-11-27. Review status: criteria provided, single submitter. Criteria: LMM Criteria. Collection method: clinical testing. Allele origin: germline. Observed: 1 variant allele.
Comment: p.Asp529Asp in exon 14 of MYH9: This variant is not expected to have clinical s ignificance because it does not alter an amino acid residue and it is not locate d within the splice consensus sequence. It has been identified in 1/66514 Europ ean chromosomes and in 2/16512 South Asian chromosomes by the Exome Aggregation Consortium (ExAC; dbSNP).